The following is an entry in ClinVar:

NM_145331.3(MAP3K7):c.794G>A (p.Arg265His)

Gene: MAP3K7 (mitogen-activated protein kinase kinase kinase 7; minus strand). Cytogenetic location: 6q15.
Variant type: single nucleotide variant.
Coding change: c.794G>A on transcript NM_145331.3 (MANE Select); coding-DNA position 794, G replaced by A.
Protein change: p.Arg265His; replaces arginine 265 with histidine.
Molecular consequence: missense variant.
Genome position (GRCh38, 1-based): chr6:90,552,122, C>T on the plus strand (G>A on the coding strand, the complement: MAP3K7 is on the minus strand). VCF-style: chr6-90552122-C-T. GRCh37 (hg19) VCF-style: chr6-91261841-C-T.
Other names: c.794G>A, p.Arg265His (NM_003188.4, NM_145332.3, NM_145333.3); short protein forms R265H.
Identifiers: ClinVar variation 3616551 (VCV003616551.2).
Genomic context (GRCh38, chr6:90,552,122, plus strand): 5'-GTCATTATTTTCACAATTTCCTCCATTGAAGGGCGCTGGGAAGGATCTTTAGACCAACAA[C>T]GAGTCATCAGGCTCTCAATGGGCTTAGGTAAATTTTTTATCAGTGGTGGTCGAGTACCTA-3'
Protein context (NP_663304.1, residues 255-275): LPKPIESLMT[Arg265His]CWSKDPSQRP

ClinVar aggregate classification (germline): Uncertain significance (1 of 4 stars; one submission).

gnomAD v4.1: 58 of 1,612,726 alleles (0.0036%); highest among the groups gnomAD compares: Middle Eastern, 0.033%; no homozygotes.

Submission:

Labcorp Genetics (formerly Invitae), Labcorp
Classification: Uncertain significance. Last evaluated: 2024-10-30. Review status: criteria provided, single submitter. Criteria: Invitae Variant Classification Sherloc (09022015). Collection method: clinical testing. Allele origin: germline.
Comment: This sequence change replaces arginine, which is basic and polar, with histidine, which is basic and polar, at codon 265 of the MAP3K7 protein (p.Arg265His). This variant is present in population databases (rs746745976, gnomAD 0.002%). This variant has not been reported in the literature in individuals affected with MAP3K7-related conditions. An algorithm developed to predict the effect of missense changes on protein structure and function (PolyPhen-2) suggests that this variant is likely to be disruptive. In summary, the available evidence is currently insufficient to determine the role of this variant in disease. Therefore, it has been classified as a Variant of Uncertain Significance.